The following is an entry in ClinVar:

ClinVar aggregate classification (germline): Benign/Likely benign. Review status: criteria provided, multiple submitters, no conflicts (2 of 4 stars). 4 submissions from 4 submitters: Benign (1); Likely benign (2). 1 of the submissions does not count toward it. Last evaluated 2026-04-06.

Conditions:
CARD14-related disorder. Also called: CARD14-related condition.
Pityriasis rubra pilaris (PRP). Also called: Pityriasis rubra pilaris--familial type. Identifiers: Orphanet 2897, MedGen C0032027, MONDO:0100017, OMIM 173200, MONDO:0008251.
Psoriasis 2. Identifiers: MedGen C1864497, MONDO:0011269, OMIM 602723.

Allele frequency attached by ClinVar (database versions not stated): gnomAD exomes 0.00013 and 0.00048; ExAC 0.00059; 1000 Genomes Project 30x 0.00141; gnomAD 0.00171 and 0.00180; 1000 Genomes Project 0.00180; TOPMed 0.00191; ESP Exome Variant Server 0.00238.
gnomAD v4.1: 466 of 1,614,200 alleles (0.029%); highest among the groups gnomAD compares: African/African-American, 0.57%; no homozygotes.

Submissions (4):

Women's Health and Genetics/Laboratory Corporation of America, LabCorp
Classification: Likely benign. Last evaluated: 2026-04-06. Review status: criteria provided, single submitter. Criteria: LabCorp Variant Classification Summary - May 2015. Collection method: clinical testing. Allele origin: germline.

Labcorp Genetics (formerly Invitae), Labcorp
Classification: Benign for Pityriasis rubra pilaris; Psoriasis 2. Last evaluated: 2026-01-24. Review status: criteria provided, single submitter. Criteria: Invitae Variant Classification Sherloc (09022015). Collection method: clinical testing. Allele origin: germline.

Blueprint Genetics
Classification: Likely benign. Last evaluated: 2024-09-19. Review status: criteria provided, single submitter. Criteria: ACMG Guidelines, 2015. Collection method: clinical testing. Allele origin: germline.

PreventionGenetics, part of Exact Sciences
Classification: Likely benign for CARD14-related condition. Last evaluated: 2019-11-19. Review status: no assertion criteria provided. Collection method: clinical testing. Allele origin: germline. Not counted in ClinVar's aggregate classification.
Comment: This variant is classified as likely benign based on ACMG/AMP sequence variant interpretation guidelines (Richards et al. 2015 PMID: 25741868, with internal and published modifications).

NM_001366385.1(CARD14):c.329T>C (p.Val110Ala)

Gene: CARD14 (caspase recruitment domain family member 14; plus strand). Cytogenetic location: 17q25.3.
Variant type: single nucleotide variant.
Coding change: c.329T>C on transcript NM_001366385.1 (MANE Select); coding-DNA position 329, T replaced by C.
Protein change: p.Val110Ala; replaces valine 110 with alanine.
Molecular consequence: missense variant. On other transcripts: non-coding transcript variant (1).
Genome position (GRCh38, 1-based): chr17:80,182,770, T>C. VCF-style: chr17-80182770-T-C. GRCh37 (hg19) VCF-style: chr17-78156569-T-C.
Other names: c.329T>C, p.Val110Ala (NM_024110.4, NM_001257970.1); short protein forms V110A.
Identifiers: ClinVar variation 527878 (VCV000527878.16), dbSNP rs138139140, ClinGen allele CA8816392.